The following is an entry in ClinVar:

NM_000428.3(LTBP2):c.3313_3327del (p.Ser1105_Thr1109del)

Gene: LTBP2 (latent transforming growth factor beta binding protein 2; minus strand). Cytogenetic location: 14q24.3.
Variant type: Deletion.
Coding change: c.3313_3327del on transcript NM_000428.3 (MANE Select); coding-DNA positions 3313 to 3327, 15 bases deleted (TCCGGAGTCTGCACC).
Protein change: p.Ser1105_Thr1109del.
Molecular consequence: inframe deletion.
Genome position (GRCh38, 1-based): chr14:74,509,314-74,509,328, GGTGCAGACTCCGGA deleted on the plus strand (TCCGGAGTCTGCACC on the coding strand, the reverse complement: LTBP2 is on the minus strand); deleting any 15 consecutive bases within chr14:74,509,314-74,509,330 gives the same sequence; the c. name uses the placement nearest the transcript's 3' end. VCF-style (leftmost placement, unchanged base first): chr14-74509313-TGGTGCAGACTCCGGA-T. GRCh37 (hg19) VCF-style: chr14-74976016-TGGTGCAGACTCCGGA-T.
Identifiers: ClinVar variation 1356010 (VCV001356010.3), dbSNP rs1405470439, ClinGen allele CA615028004.

ClinVar aggregate classification (germline): Uncertain significance (1 of 4 stars; one submission).

Submission:

Labcorp Genetics (formerly Invitae), Labcorp
Classification: Uncertain significance. Last evaluated: 2022-06-13. Review status: criteria provided, single submitter. Criteria: Invitae Variant Classification Sherloc (09022015). Collection method: clinical testing. Allele origin: germline.
Comment: This variant, c.3313_3327del, results in the deletion of 5 amino acid(s) of the LTBP2 protein (p.Ser1105_Thr1109del), but otherwise preserves the integrity of the reading frame. This variant is present in population databases (no rsID available, gnomAD 0.007%). This variant has not been reported in the literature in individuals affected with LTBP2-related conditions. Experimental studies and prediction algorithms are not available or were not evaluated, and the functional significance of this variant is currently unknown. In summary, the available evidence is currently insufficient to determine the role of this variant in disease. Therefore, it has been classified as a Variant of Uncertain Significance.